The following is an entry in ClinVar:

NM_000018.4(ACADVL):c.1106T>C (p.Phe369Ser)

Gene: ACADVL (acyl-CoA dehydrogenase very long chain; plus strand). Cytogenetic location: 17p13.1.
Variant type: single nucleotide variant.
Coding change: c.1106T>C on transcript NM_000018.4 (MANE Select); coding-DNA position 1106, T replaced by C.
Protein change: p.Phe369Ser; replaces phenylalanine 369 with serine.
Molecular consequence: missense variant.
Genome position (GRCh38, 1-based): chr17:7,223,161, T>C. VCF-style: chr17-7223161-T-C. GRCh37 (hg19) VCF-style: chr17-7126480-T-C.
Other names: c.1040T>C, p.Phe347Ser (NM_001033859.3); c.1175T>C, p.Phe392Ser (NM_001270447.2); c.878T>C, p.Phe293Ser (NM_001270448.2); short protein forms F369S, F293S, F392S, F347S.
Identifiers: ClinVar variation 92271 (VCV000092271.12), dbSNP rs398123080, ClinGen allele CA220189.

ClinVar aggregate classification (germline): Likely pathogenic. Review status: criteria provided, multiple submitters, no conflicts (2 of 4 stars). 2 submissions from 2 submitters: Likely pathogenic (2). Last evaluated 2024-09-23.

Conditions:
Very long chain acyl-CoA dehydrogenase deficiency (ACADVLD). Also called: VLCAD Deficiency; Very Long-Chain Acyl-Coenzyme A Dehydrogenase Deficiency. Identifiers: Orphanet 26793, MedGen C3887523, MONDO:0008723, OMIM 201475.

Submissions (2):

Labcorp Genetics (formerly Invitae), Labcorp
Classification: Likely pathogenic for Very long chain acyl-CoA dehydrogenase deficiency. Last evaluated: 2024-09-23. Review status: criteria provided, single submitter. Criteria: Invitae Variant Classification Sherloc (09022015). Collection method: clinical testing. Allele origin: germline.
Comment: This sequence change replaces phenylalanine, which is neutral and non-polar, with serine, which is neutral and polar, at codon 369 of the ACADVL protein (p.Phe369Ser). This variant is not present in population databases (gnomAD no frequency). This missense change has been observed in individual(s) with very long-chain acyl-CoA dehydrogenase deficiency (internal data). In at least one individual the data is consistent with being in trans (on the opposite chromosome) from a pathogenic variant. ClinVar contains an entry for this variant (Variation ID: 92271). Invitae Evidence Modeling of protein sequence and biophysical properties (such as structural, functional, and spatial information, amino acid conservation, physicochemical variation, residue mobility, and thermodynamic stability) indicates that this missense variant is expected to disrupt ACADVL protein function with a positive predictive value of 95%. In summary, the currently available evidence indicates that the variant is pathogenic, but additional data are needed to prove that conclusively. Therefore, this variant has been classified as Likely Pathogenic.

Eurofins Ntd Llc (ga)
Classification: Likely pathogenic. Last evaluated: 2012-10-05. Review status: criteria provided, single submitter. Criteria: EGL Classification Definitions. Collection method: clinical testing. Allele origin: germline. Observed: 2 variant alleles, 2 heterozygotes.